The following is an entry in ClinVar:

NM_022765.4(MICAL1):c.310G>A (p.Ala104Thr)

Gene: MICAL1 (microtubule associated monooxygenase, calponin and LIM domain containing 1; minus strand). Cytogenetic location: 6q21.
Variant type: single nucleotide variant.
Coding change: c.310G>A on transcript NM_022765.4 (MANE Select); coding-DNA position 310, G replaced by A.
Protein change: p.Ala104Thr; replaces alanine 104 with threonine.
Molecular consequence: missense variant.
Genome position (GRCh38, 1-based): chr6:109,453,794, C>T on the plus strand (G>A on the coding strand, the complement: MICAL1 is on the minus strand). VCF-style: chr6-109453794-C-T. GRCh37 (hg19) VCF-style: chr6-109774997-C-T.
Other names: c.310G>A, p.Ala104Thr (NM_001159291.2); c.367G>A, p.Ala123Thr (NM_001286613.2); short protein forms A104T, A123T.
Identifiers: ClinVar variation 2995337 (VCV002995337.3), dbSNP rs763896762, ClinGen allele CA3953822.

ClinVar aggregate classification (germline): Uncertain significance (1 of 4 stars; one submission).

Allele frequency attached by ClinVar (database versions not stated): gnomAD exomes below 0.00001; ExAC 0.00001; TOPMed 0.00001.
gnomAD v4.1: 2 of 1,613,778 alleles (0.00012%); highest among the groups gnomAD compares: Non-Finnish European, 0.000085%; no homozygotes.

Submission:

Labcorp Genetics (formerly Invitae), Labcorp
Classification: Uncertain significance. Last evaluated: 2023-04-15. Review status: criteria provided, single submitter. Criteria: Invitae Variant Classification Sherloc (09022015). Collection method: clinical testing. Allele origin: germline.
Comment: In summary, the available evidence is currently insufficient to determine the role of this variant in disease. Therefore, it has been classified as a Variant of Uncertain Significance. An algorithm developed to predict the effect of missense changes on protein structure and function (PolyPhen-2) suggests that this variant is likely to be disruptive. This variant has not been reported in the literature in individuals affected with MICAL1-related conditions. This variant is present in population databases (rs763896762, gnomAD 0.0009%). This sequence change replaces alanine, which is neutral and non-polar, with threonine, which is neutral and polar, at codon 123 of the MICAL1 protein (p.Ala123Thr).